The following is an entry in ClinVar:

NM_001267550.2(TTN):c.67740A>G (p.Pro22580=)

Genes: TTN (titin; minus strand), TTN-AS1 (TTN antisense RNA 1; plus strand), LOC126806423 (CDK7 strongly-dependent group 2 enhancer GRCh37_chr2:179443309-179444508; plus strand). Cytogenetic location: 2q31.2.
Variant type: single nucleotide variant.
Coding change: c.67740A>G on transcript NM_001267550.2 (MANE Select); coding-DNA position 67740, A replaced by G.
Protein change: p.Pro22580=; no amino-acid change (proline 22580 retained).
Molecular consequence: synonymous variant.
Genome position (GRCh38, 1-based): chr2:178,579,290, T>C on the plus strand (A>G on the coding strand, the complement: TTN is on the minus strand). VCF-style: chr2-178579290-T-C. GRCh37 (hg19) VCF-style: chr2-179444017-T-C.
Other names: c.62817A>G, p.Pro20939= (NM_001256850.1); c.40545A>G, p.Pro13515= (NM_003319.4); c.60036A>G, p.Pro20012= (NM_133378.4); c.40920A>G, p.Pro13640= (NM_133432.3); c.41121A>G, p.Pro13707= (NM_133437.4).
Identifiers: ClinVar variation 2651615 (VCV002651615.26), dbSNP rs1310054627, ClinGen allele CA430260494.

ClinVar aggregate classification (germline): Likely benign. Review status: criteria provided, multiple submitters, no conflicts (2 of 4 stars). 2 submissions from 2 submitters: Likely benign (2). Last evaluated 2024-05-02.

Conditions:
Autosomal recessive limb-girdle muscular dystrophy type 2J (LGMDR10). Also called: Limb-girdle muscular dystrophy, type 2J; MUSCULAR DYSTROPHY, LIMB-GIRDLE, AUTOSOMAL RECESSIVE 10. Identifiers: Orphanet 140922, MedGen C1837342, MONDO:0012127, OMIM 608807.
Dilated cardiomyopathy 1G (CMD1G). Identifiers: Orphanet 154, MedGen C1858763, MONDO:0011400, OMIM 604145.

Allele frequency attached by ClinVar (database versions not stated): gnomAD exomes below 0.00001; TOPMed below 0.00001; gnomAD 0.00001.

Submissions (2):

Labcorp Genetics (formerly Invitae), Labcorp
Classification: Likely benign for Dilated cardiomyopathy 1G; Autosomal recessive limb-girdle muscular dystrophy type 2J. Last evaluated: 2024-05-02. Review status: criteria provided, single submitter. Criteria: Invitae Variant Classification Sherloc (09022015). Collection method: clinical testing. Allele origin: germline.

CeGaT Center for Human Genetics Tuebingen
Classification: Likely benign. Last evaluated: 2022-07-01. Review status: criteria provided, single submitter. Criteria: CeGaT Center For Human Genetics Tuebingen Variant Classification Criteria Version 2. Collection method: clinical testing. Allele origin: germline. Affected: yes. Observed: 2 variant alleles.
Comment: TTN: BP4, BP7